The following is an entry in ClinVar:

ClinVar aggregate classification (germline): Pathogenic (1 of 4 stars; one submission).

Conditions:
Fabry disease. Also called: ALPHA-GALACTOSIDASE A DEFICIENCY; ANDERSON-FABRY DISEASE; CERAMIDE TRIHEXOSIDASE DEFICIENCY; GLA DEFICIENCY; HEREDITARY DYSTOPIC LIPIDOSIS; Angiokeratoma corporis diffusum. Identifiers: Orphanet 324, MedGen C0002986, MONDO:0010526, OMIM 301500, HP:0001071. Disease mechanism: Fabry disease is due to inactivating mutations in the X-linked GLA gene resulting in deficiency of the enzyme Alpha Galactosidase-A., loss of function.

Submission:

Genomenon, Inc
Classification: Pathogenic for Fabry disease. Last evaluated: 2026-09-08. Review status: criteria provided, single submitter. Criteria: Genomenon Sequence Variant Interpretation Standards - Updated. Collection method: curation. Allele origin: germline. Affected: yes.
Comment: GLA p.Gly144ArgfsTer12 (c.428dup) is a frameshift variant that is predicted to introduce a premature termination codon and result in a truncated or absent protein product. This variant has been observed in at least one proband with clinical features consistent with Fabry disease (PMID:33915609). Functional or patient cell studies have been reported (PMID:33915609). It is absent or not present at a significant frequency in gnomAD. In conclusion, we classify GLA p.Gly144ArgfsTer12 (c.428dup) as a pathogenic variant.

Literature cited by the submitters: PubMed 33915609.

NM_000169.3(GLA):c.428dup (p.Gly144fs)

Genes: GLA (galactosidase alpha; minus strand), RPL36A-HNRNPH2 (RPL36A-HNRNPH2 readthrough; plus strand). Cytogenetic location: Xq22.1.
Variant type: Duplication.
Coding change: c.428dup on transcript NM_000169.3 (MANE Select); coding-DNA position 428, one base duplicated (C; older notation c.428dupC).
Protein change: p.Gly144fs; shifts the reading frame from glycine 144.
Molecular consequence: frameshift variant. On other transcripts: non-coding transcript variant (3), intron variant (2).
Genome position (GRCh38, 1-based): chrX:101,401,751, G duplicated on the plus strand (C on the coding strand, the reverse complement: GLA is on the minus strand). VCF-style (leftmost placement, unchanged base first): chrX-101401750-T-TG. GRCh37 (hg19) VCF-style: chrX-100656738-T-TG.
Other names: c.551dup, p.Gly185fs (NM_001406747.1, NM_001406749.1); c.428dup, p.Gly144fs (NM_001406748.1); c.300+6294dup (NM_001199973.2); c.177+9929dup (NM_001199974.2); short protein forms G144fs, G185fs.
Identifiers: ClinVar variation 4086959 (VCV004086959.2).